The following is an entry in ClinVar:

NM_001127178.3(PIGG):c.352C>T (p.Arg118Ter)

Gene: PIGG (phosphatidylinositol glycan anchor biosynthesis class G (EMM blood group); plus strand). Cytogenetic location: 4p16.3.
Variant type: single nucleotide variant.
Coding change: c.352C>T on transcript NM_001127178.3 (MANE Select); coding-DNA position 352, C replaced by T.
Protein change: p.Arg118Ter; replaces arginine 118 with a stop codon.
Molecular consequence: nonsense. On other transcripts: 5 prime UTR variant (5), non-coding transcript variant (10).
Genome position (GRCh38, 1-based): chr4:500,593, C>T. VCF-style: chr4-500593-C-T. GRCh37 (hg19) VCF-style: chr4-494382-C-T.
Other names: c.85C>T, p.Arg29Ter (NM_001289051.2, NM_001289053.2, NM_001289057.2 and 2 more transcripts); c.352C>T, p.Arg118Ter (NM_001289052.2, NM_001345989.2, NM_017733.5); c.-85C>T (NM_001289055.2); c.-536C>T (NM_001345988.2); c.-1274C>T (NM_001345990.2); c.-1136C>T (NM_001345991.2); c.-861C>T (NM_001345994.2); short protein forms R118*, R29*.
Identifiers: ClinVar variation 1458529 (VCV001458529.6), dbSNP rs782124562, ClinGen allele CA91045610.

ClinVar aggregate classification (germline): Pathogenic. Review status: criteria provided, single submitter (1 of 4 stars). 2 submissions from 2 submitters: Pathogenic (1). 1 of the submissions does not count toward it. Last evaluated 2025-04-21.

Conditions:
Intellectual disability, autosomal recessive 53 (NEDHSCA). Also called: GLYCOSYLPHOSPHATIDYLINOSITOL BIOSYNTHESIS DEFECT 13; Mental retardation, autosomal recessive 53; NEURODEVELOPMENTAL DISORDER WITH OR WITHOUT HYPOTONIA, SEIZURES, AND CEREBELLAR ATROPHY. Identifiers: Orphanet 488635, MedGen C4310794, MONDO:0014832, OMIM 616917.

Allele frequency attached by ClinVar (database versions not stated): gnomAD 0.00001; TOPMed 0.00002.
gnomAD v4.1: 29 of 1,595,230 alleles (0.0018%); highest among the groups gnomAD compares: Non-Finnish European, 0.0024%; no homozygotes.

Submissions (2):

Labcorp Genetics (formerly Invitae), Labcorp
Classification: Pathogenic for Intellectual disability, autosomal recessive 53. Last evaluated: 2025-04-21. Review status: criteria provided, single submitter. Criteria: Invitae Variant Classification Sherloc (09022015). Collection method: clinical testing. Allele origin: germline.
Comment: This sequence change creates a premature translational stop signal (p.Arg118*) in the PIGG gene. It is expected to result in an absent or disrupted protein product. Loss-of-function variants in PIGG are known to be pathogenic (PMID: 26996948, 28581210, 28771251). This variant is present in population databases (rs782124562, gnomAD 0.0009%). This variant has not been reported in the literature in individuals affected with PIGG-related conditions. ClinVar contains an entry for this variant (Variation ID: 1458529). For these reasons, this variant has been classified as Pathogenic.

Molecular Genetics Laboratory, BC Children's and BC Women's Hospitals
Classification: Likely pathogenic for Intellectual disability, autosomal recessive 53. Last evaluated: 2025-01-15. Review status: no assertion criteria provided. Criteria: ACMG Guidelines, 2015. Collection method: clinical testing. Allele origin: paternal. Affected: yes. Not counted in ClinVar's aggregate classification.

Literature cited by the submitters: PubMed 26996948 (cited by Labcorp Genetics (formerly Invitae), Labcorp); PubMed 28581210 (cited by Labcorp Genetics (formerly Invitae), Labcorp); PubMed 28771251 (cited by Labcorp Genetics (formerly Invitae), Labcorp).